The following is an entry in ClinVar:

ClinVar aggregate classification (germline): Uncertain significance (1 of 4 stars; one submission).

Conditions:
Pheochromocytoma. Also called: MAX-Related Hereditary Paraganglioma-Pheochromocytoma Syndrome. Identifiers: Orphanet 29072, MedGen C0031511, MONDO:0008233, OMIM 171300, HP:0002666.
Pheochromocytoma/paraganglioma syndrome 4. Also called: CAROTID BODY TUMORS AND MULTIPLE EXTRAADRENAL PHEOCHROMOCYTOMAS; PARAGANGLIOMA, FAMILIAL MALIGNANT; PARAGANGLIOMAS, HEREDITARY EXTRAADRENAL; PHEOCHROMOCYTOMA, FAMILIAL EXTRAADRENAL; Paragangliomas 4; SDHB-Related Hereditary Paraganglioma-Pheochromocytoma Syndrome (Paragangliomas 4). Identifiers: Orphanet 29072, MedGen C1861848, MONDO:0007273, OMIM 115310.
Gastrointestinal stromal tumor. Also called: Gastrointestinal stroma tumor; Gastrointestinal stromal tumor, somatic. Identifiers: Orphanet 44890, MedGen C0238198, MeSH D046152, MONDO:0011719, OMIM 606764, HP:0100723.

Submission:

Labcorp Genetics (formerly Invitae), Labcorp
Classification: Uncertain significance for Gastrointestinal stromal tumor; Pheochromocytoma/paraganglioma syndrome 4; Pheochromocytoma. Last evaluated: 2022-02-28. Review status: criteria provided, single submitter. Criteria: Invitae Variant Classification Sherloc (09022015). Collection method: clinical testing. Allele origin: germline.
Comment: In summary, the available evidence is currently insufficient to determine the role of this variant in disease. Therefore, it has been classified as a Variant of Uncertain Significance. Advanced modeling of protein sequence and biophysical properties (such as structural, functional, and spatial information, amino acid conservation, physicochemical variation, residue mobility, and thermodynamic stability) performed at Invitae indicates that this missense variant is not expected to disrupt SDHB protein function. This variant has not been reported in the literature in individuals affected with SDHB-related conditions. This variant is not present in population databases (gnomAD no frequency). This sequence change replaces alanine, which is neutral and non-polar, with proline, which is neutral and non-polar, at codon 6 of the SDHB protein (p.Ala6Pro).

NM_003000.3(SDHB):c.16G>C (p.Ala6Pro)

Gene: SDHB (succinate dehydrogenase complex iron sulfur subunit B; minus strand). Cytogenetic location: 1p36.13.
Variant type: single nucleotide variant.
Coding change: c.16G>C on transcript NM_003000.3 (MANE Select); coding-DNA position 16, G replaced by C.
Protein change: p.Ala6Pro; replaces alanine 6 with proline.
Molecular consequence: missense variant.
Genome position (GRCh38, 1-based): chr1:17,054,004, C>G on the plus strand (G>C on the coding strand, the complement: SDHB is on the minus strand). VCF-style: chr1-17054004-C-G. GRCh37 (hg19) VCF-style: chr1-17380499-C-G.
Other names: c.16G>C, p.Ala6Pro (NM_001407361.1); short protein forms A6P.
Identifiers: ClinVar variation 2104463 (VCV002104463.4), dbSNP rs1472284221, ClinGen allele CA338230854.